The following is an entry in ClinVar:

NM_001377.3(DYNC2H1):c.3097-297A>T

Gene: DYNC2H1 (dynein cytoplasmic 2 heavy chain 1; plus strand). Cytogenetic location: 11q22.3.
Variant type: single nucleotide variant.
Coding change: c.3097-297A>T on transcript NM_001377.3 (MANE Select); 297 bases into the intron before coding-DNA position 3097, A replaced by T.
Molecular consequence: intron variant.
Genome position (GRCh38, 1-based): chr11:103,153,006, A>T. VCF-style: chr11-103153006-A-T. GRCh37 (hg19) VCF-style: chr11-103023735-A-T.
Other names: c.3097-297A>T (NM_001080463.2).
Identifiers: ClinVar variation 667694 (VCV000667694.1), dbSNP rs638878, ClinGen allele CA13468983.
Genomic context (GRCh38, chr11:103,153,006, plus strand): 5'-CCTTAATTTAGCAGCTATATACTCAGGTAGAACAATCAGCAGTCATCAAACAAACATTTT[A>T]AAATTATCTTACCTTTGTTGTTAGTTGTACTAGGTGCGGTTAACCACATGAACGATTTTT-3'

ClinVar aggregate classification (germline): Benign (1 of 4 stars; one submission).

Allele frequency attached by ClinVar (database versions not stated): 1000 Genomes Project 0.89577; 1000 Genomes Project 30x 0.89663; TOPMed 0.90789; gnomAD 0.91262 and 0.91480.
gnomAD v4.1: 138,972 of 152,214 alleles (91%); highest among the groups gnomAD compares: Admixed American, 93%; 63,504 homozygotes.

Submission:

GeneDx
Classification: Benign. Last evaluated: 2018-06-14. Review status: criteria provided, single submitter. Criteria: GeneDx Variant Classification (06012015). Collection method: clinical testing. Allele origin: germline. Affected: yes.
Comment: This variant is considered likely benign or benign based on one or more of the following criteria: it is a conservative change, it occurs at a poorly conserved position in the protein, it is predicted to be benign by multiple in silico algorithms, and/or has population frequency not consistent with disease.